The following is an entry in ClinVar:

NM_016239.4(MYO15A):c.233C>A (p.Thr78Asn)

Gene: MYO15A (myosin XVA; plus strand). Cytogenetic location: 17p11.2.
Variant type: single nucleotide variant.
Coding change: c.233C>A on transcript NM_016239.4 (MANE Select); coding-DNA position 233, C replaced by A.
Protein change: p.Thr78Asn; replaces threonine 78 with asparagine.
Molecular consequence: missense variant.
Genome position (GRCh38, 1-based): chr17:18,119,033, C>A. VCF-style: chr17-18119033-C-A. GRCh37 (hg19) VCF-style: chr17-18022347-C-A.
Other names: short protein forms T78N.
Identifiers: ClinVar variation 2091159 (VCV002091159.3), dbSNP rs1339243999, ClinGen allele CA398572276.

ClinVar aggregate classification (germline): Uncertain significance (1 of 4 stars; one submission).

Submission:

Labcorp Genetics (formerly Invitae), Labcorp
Classification: Uncertain significance. Last evaluated: 2024-02-17. Review status: criteria provided, single submitter. Criteria: Invitae Variant Classification Sherloc (09022015). Collection method: clinical testing. Allele origin: germline.
Comment: This sequence change replaces threonine, which is neutral and polar, with asparagine, which is neutral and polar, at codon 78 of the MYO15A protein (p.Thr78Asn). This variant is not present in population databases (gnomAD no frequency). This variant has not been reported in the literature in individuals affected with MYO15A-related conditions. ClinVar contains an entry for this variant (Variation ID: 2091159). Advanced modeling of protein sequence and biophysical properties (such as structural, functional, and spatial information, amino acid conservation, physicochemical variation, residue mobility, and thermodynamic stability) performed at Invitae indicates that this missense variant is not expected to disrupt MYO15A protein function with a negative predictive value of 95%. In summary, the available evidence is currently insufficient to determine the role of this variant in disease. Therefore, it has been classified as a Variant of Uncertain Significance.